The following is an entry in ClinVar:

ClinVar aggregate classification (germline): Pathogenic (3 of 4 stars; one submission).

Conditions:
Lynch syndrome. Identifiers: Orphanet 144, MedGen C4552100, MONDO:0005835. Disease mechanism: loss of function.

Submission:

International Society for Gastrointestinal Hereditary Tumours (InSiGHT)
Classification: Pathogenic for Lynch Syndrome. Last evaluated: 2013-09-05. Review status: reviewed by expert panel. Criteria: Guidelines v1.9. Collection method: research. Allele origin: germline.
Comment: Coding sequence variation resulting in a stop codon

Classified with v1.9 guidelines

NM_000179.3(MSH6):c.1276del (p.Cys426fs)

Gene: MSH6 (mutS homolog 6; plus strand). Cytogenetic location: 2p16.3.
Variant type: Deletion.
Coding change: c.1276del on transcript NM_000179.3 (MANE Select); coding-DNA position 1276, one base deleted (T; older notation c.1276delT).
Protein change: p.Cys426fs; shifts the reading frame from cysteine 426.
Molecular consequence: frameshift variant.
Genome position (GRCh38, 1-based): chr2:47,799,259, T deleted. VCF-style (leftmost placement, unchanged base first): chr2-47799258-CT-C. GRCh37 (hg19) VCF-style: chr2-48026397-CT-C.
Other names: c.886del, p.Cys296fs (NM_001281492.2); c.370del, p.Cys124fs (NM_001281493.2, NM_001281494.2); short protein forms C124fs, C296fs.
Identifiers: ClinVar variation 89184 (VCV000089184.2), dbSNP rs587779209, ClinGen allele CA008430.
Genomic context (GRCh38, chr2:47,799,258, plus strand): 5'-TTGTACTCCTGGGATGAGGAAGTGGTGGCAGATTAAGTCTCAGAACTTTGATCTTGTCAT[CT>C]GTTACAAGGTGGGGAAATTTTATGAGCTGTACCACATGGATGCTCTTATTGGAGTCAGTG-3'